The following is an entry in ClinVar:

ClinVar aggregate classification (germline): Uncertain significance. Review status: criteria provided, multiple submitters, no conflicts (2 of 4 stars). 3 submissions from 3 submitters: Uncertain significance (3). Last evaluated 2025-10-01.

Conditions:
Short stature, microcephaly, and endocrine dysfunction (SSMED). Identifiers: Orphanet 436182, MedGen C4225288, MONDO:0014686, OMIM 616541.

Allele frequency attached by ClinVar (database versions not stated): TOPMed 0.00004; gnomAD 0.00005; gnomAD exomes 0.00006; ESP Exome Variant Server 0.00008; ExAC 0.00009.

Submissions (3):

Labcorp Genetics (formerly Invitae), Labcorp
Classification: Uncertain significance. Last evaluated: 2025-10-01. Review status: criteria provided, single submitter. Criteria: Invitae Variant Classification Sherloc (09022015). Collection method: clinical testing. Allele origin: germline.
Comment: This sequence change replaces arginine, which is basic and polar, with tryptophan, which is neutral and slightly polar, at codon 179 of the XRCC4 protein (p.Arg179Trp). This variant is present in population databases (rs140143447, gnomAD 0.01%). This variant has not been reported in the literature in individuals affected with XRCC4-related conditions. ClinVar contains an entry for this variant (Variation ID: 1806704). Invitae Evidence Modeling of protein sequence and biophysical properties (such as structural, functional, and spatial information, amino acid conservation, physicochemical variation, residue mobility, and thermodynamic stability) indicates that this missense variant is expected to disrupt XRCC4 protein function with a positive predictive value of 80%. In summary, the available evidence is currently insufficient to determine the role of this variant in disease. Therefore, it has been classified as a Variant of Uncertain Significance.

Fulgent Genetics
Classification: Uncertain significance for Short stature, microcephaly, and endocrine dysfunction. Last evaluated: 2024-02-29. Review status: criteria provided, single submitter. Criteria: ACMG Guidelines, 2015. Collection method: clinical testing. Allele origin: germline.

GeneDx
Classification: Uncertain significance. Last evaluated: 2022-06-20. Review status: criteria provided, single submitter. Criteria: GeneDx Variant Classification Process June 2021. Collection method: clinical testing. Allele origin: germline. Affected: yes.
Comment: In silico analysis supports that this missense variant has a deleterious effect on protein structure/function; Has not been previously published as pathogenic or benign to our knowledge

NM_003401.5(XRCC4):c.535C>T (p.Arg179Trp)

Gene: XRCC4 (X-ray repair cross complementing 4; plus strand). Cytogenetic location: 5q14.2.
Variant type: single nucleotide variant.
Coding change: c.535C>T on transcript NM_003401.5 (MANE Select); coding-DNA position 535, C replaced by T.
Protein change: p.Arg179Trp; replaces arginine 179 with tryptophan.
Molecular consequence: missense variant.
Genome position (GRCh38, 1-based): chr5:83,203,604, C>T. VCF-style: chr5-83203604-C-T. GRCh37 (hg19) VCF-style: chr5-82499423-C-T.
Other names: c.535C>T, p.Arg179Trp (NM_001131022.1, NM_001318012.3, NM_001318013.2 and 2 more transcripts); c.535C>T (NM_022406.4); short protein forms R179W.
Identifiers: ClinVar variation 1806704 (VCV001806704.5), dbSNP rs140143447, ClinGen allele CA3332188.